The following is an entry in ClinVar:

ClinVar aggregate classification (germline): Uncertain significance (1 of 4 stars; one submission).

Conditions:
Hereditary cancer-predisposing syndrome. Also called: Hereditary Cancer Syndrome; Tumor predisposition; Hereditary neoplastic syndrome; Neoplastic Syndromes, Hereditary. Identifiers: Orphanet 140162, MedGen C0027672, MeSH D009386, MONDO:0015356.
Cardiovascular phenotype. Identifiers: MedGen CN230736.

Submission:

Ambry Genetics
Classification: Uncertain significance for Cardiovascular phenotype; Hereditary cancer-predisposing syndrome. Last evaluated: 2024-10-21. Review status: criteria provided, single submitter. Criteria: Ambry Variant Classification Scheme 2023. Collection method: clinical testing. Allele origin: germline.
Comment: The p.Q347R variant (also known as c.1040A>G), located in coding exon 9 of the NF1 gene, results from an A to G substitution at nucleotide position 1040. The glutamine at codon 347 is replaced by arginine, an amino acid with highly similar properties. This amino acid position is conserved. In addition, the in silico prediction for this alteration is inconclusive. Based on the available evidence, the clinical significance of this variant remains unclear.

NM_001042492.3(NF1):c.1040A>G (p.Gln347Arg)

Gene: NF1 (neurofibromin 1; plus strand). Cytogenetic location: 17q11.2.
Variant type: single nucleotide variant.
Coding change: c.1040A>G on transcript NM_001042492.3 (MANE Select); coding-DNA position 1040, A replaced by G.
Protein change: p.Gln347Arg; replaces glutamine 347 with arginine.
Molecular consequence: missense variant.
Genome position (GRCh38, 1-based): chr17:31,200,573, A>G. VCF-style: chr17-31200573-A-G. GRCh37 (hg19) VCF-style: chr17-29527591-A-G.
Other names: c.1040A>G, p.Gln347Arg (NM_000267.4, NM_001128147.3); short protein forms Q347R.
Identifiers: ClinVar variation 3404821 (VCV003404821.1).
Genomic context (GRCh38, chr17:31,200,573, plus strand): 5'-TGTGTAAAGCAAGTACTTACATCAATTGGGAAGATAACTCTGTCATTTTCCTACTTGTTC[A>G]GTCCATGGTGGTTGATCTTAAGGTAACATGCTTATTCTTTCTCTACTACAAACTTTAAGA-3'
Protein context (NP_001035957.1, residues 337-357): EDNSVIFLLV[Gln347Arg]SMVVDLKNLL